The following is an entry in ClinVar:

NM_020822.3(KCNT1):c.3458T>G (p.Val1153Gly)

Gene: KCNT1 (potassium sodium-activated channel subfamily T member 1; plus strand). Cytogenetic location: 9q34.3.
Variant type: single nucleotide variant.
Coding change: c.3458T>G on transcript NM_020822.3 (MANE Select); coding-DNA position 3458, T replaced by G.
Protein change: p.Val1153Gly; replaces valine 1153 with glycine.
Molecular consequence: missense variant.
Genome position (GRCh38, 1-based): chr9:135,786,477, T>G. VCF-style: chr9-135786477-T-G. GRCh37 (hg19) VCF-style: chr9-138678323-T-G.
Other names: c.3323T>G, p.Val1108Gly (NM_001272003.2); short protein forms V1108G, V1153G.
Identifiers: ClinVar variation 3757488 (VCV003757488.2).

ClinVar aggregate classification (germline): Uncertain significance (1 of 4 stars; one submission).

Conditions:
Autosomal dominant nocturnal frontal lobe epilepsy 5. Also called: KCNT1-Related Epilepsy; CILIARY DYSKINESIA, PRIMARY, 28, WITHOUT SITUS INVERSUS; CILIARY DYSKINESIA, PRIMARY, 28, WITH SITUS INVERSUS; Epilepsy, nocturnal frontal lobe, 5. Identifiers: Orphanet 98784, MedGen C3554306, MONDO:0014002, OMIM 615005.
Developmental and epileptic encephalopathy, 14 (DEE14). Also called: Early infantile epileptic encephalopathy 14. Identifiers: Orphanet 293181, MedGen C3554195, MONDO:0013989, OMIM 614959.

Submission:

Labcorp Genetics (formerly Invitae), Labcorp
Classification: Uncertain significance for Autosomal dominant nocturnal frontal lobe epilepsy 5; Developmental and epileptic encephalopathy, 14. Last evaluated: 2024-07-31. Review status: criteria provided, single submitter. Criteria: Invitae Variant Classification Sherloc (09022015). Collection method: clinical testing. Allele origin: germline.
Comment: This sequence change replaces valine, which is neutral and non-polar, with glycine, which is neutral and non-polar, at codon 1153 of the KCNT1 protein (p.Val1153Gly). This variant is not present in population databases (gnomAD no frequency). This variant has not been reported in the literature in individuals affected with KCNT1-related conditions. Advanced modeling of protein sequence and biophysical properties (such as structural, functional, and spatial information, amino acid conservation, physicochemical variation, residue mobility, and thermodynamic stability) has been performed at Invitae for this missense variant, however the output from this modeling did not meet the statistical confidence thresholds required to predict the impact of this variant on KCNT1 protein function. In summary, the available evidence is currently insufficient to determine the role of this variant in disease. Therefore, it has been classified as a Variant of Uncertain Significance.